The following is an entry in ClinVar:

ClinVar aggregate classification (germline): Pathogenic. Review status: criteria provided, multiple submitters, no conflicts (2 of 4 stars). 4 submissions from 4 submitters: Pathogenic (4). Last evaluated 2025-05-20.

Conditions:
PALB2-related disorder. Also called: PALB2-related disorders; PALB2-related condition.
Familial cancer of breast. Also called: hereditary breast carcinoma; Hereditary breast cancer; BREAST CANCER, FAMILIAL. Identifiers: Orphanet 227535, MedGen C0346153, MONDO:0016419, OMIM 114480. Disease mechanism: loss of function.
Hereditary cancer-predisposing syndrome. Also called: Tumor predisposition; Hereditary Cancer Syndrome; Neoplastic Syndromes, Hereditary; Hereditary neoplastic syndrome. Identifiers: Orphanet 140162, MedGen C0027672, MeSH D009386, MONDO:0015356.

Submissions (4):

Ambry Genetics
Classification: Pathogenic for Hereditary cancer-predisposing syndrome. Last evaluated: 2025-05-20. Review status: criteria provided, single submitter. Criteria: Ambry Variant Classification Scheme 2023. Collection method: clinical testing. Allele origin: germline.
Comment: The p.Y1055* pathogenic mutation (also known as c.3165C>G), located in coding exon 11 of the PALB2 gene, results from a C to G substitution at nucleotide position 3165. This changes the amino acid from a tyrosine to a stop codon within coding exon 11. This variant is considered to be rare based on population cohorts in the Genome Aggregation Database (gnomAD). This alteration is expected to result in loss of function by premature protein truncation or nonsense-mediated mRNA decay. As such, this alteration is interpreted as a disease-causing mutation.

Blueprint Genetics
Classification: Pathogenic for PALB2-related disorders. Last evaluated: 2024-08-20. Review status: criteria provided, single submitter. Criteria: ACMG Guidelines, 2015. Collection method: clinical testing. Allele origin: germline. Affected: yes. Observed: 1 variant allele.

Color Diagnostics, LLC DBA Color Health
Classification: Pathogenic for Hereditary cancer-predisposing syndrome. Last evaluated: 2023-11-06. Review status: criteria provided, single submitter. Criteria: ACMG Guidelines, 2015. Collection method: clinical testing. Allele origin: germline.
Comment: This variant changes 1 nucleotide in exon 11 of the PALB2 gene, creating a premature translation stop signal that is not expected to trigger nonsense-mediated decay. The predicted truncated protein impacts the WD40-repeat domain that is functionally important for BRCA2 and RAD51 binding (PMID: 25833843). Other protein truncations in this region have been reported as disease-causing in ClinVar (variation ID: 126734, 450256, 460990, 803231). This variant has not been identified in the general population by the Genome Aggregation Database (gnomAD). Loss of PALB2 function is a known mechanism of disease. Based on the available evidence, this variant is classified as Pathogenic.

Myriad Genetics, Inc.
Classification: Pathogenic for Familial cancer of breast. Last evaluated: 2023-09-14. Review status: criteria provided, single submitter. Criteria: Myriad Autosomal Dominant, Autosomal Recessive and X-Linked Classification Criteria (2023). Collection method: clinical testing. Allele origin: unknown.
Comment: This variant is considered pathogenic. This variant creates a termination codon and is predicted to result in premature protein truncation.

Literature cited by the submitters: PubMed 25833843 (cited by Color Diagnostics, LLC DBA Color Health).

NM_024675.4(PALB2):c.3165C>G (p.Tyr1055Ter)

Gene: PALB2 (partner and localizer of BRCA2; minus strand). Cytogenetic location: 16p12.2.
Variant type: single nucleotide variant.
Coding change: c.3165C>G on transcript NM_024675.4 (MANE Select); coding-DNA position 3165, C replaced by G.
Protein change: p.Tyr1055Ter; replaces tyrosine 1055 with a stop codon.
Molecular consequence: nonsense.
Genome position (GRCh38, 1-based): chr16:23,614,040, G>C on the plus strand (C>G on the coding strand, the complement: PALB2 is on the minus strand). VCF-style: chr16-23614040-G-C. GRCh37 (hg19) VCF-style: chr16-23625361-G-C.
Other names: short protein forms Y1055*.
Identifiers: ClinVar variation 480263 (VCV000480263.13), dbSNP rs876658157, ClinGen allele CA395141266.